The following is an entry in ClinVar:

NM_199420.4(POLQ):c.4571A>T (p.Asp1524Val)

Gene: POLQ (DNA polymerase theta; minus strand). Cytogenetic location: 3q13.33.
Variant type: single nucleotide variant.
Coding change: c.4571A>T on transcript NM_199420.4 (MANE Select); coding-DNA position 4571, A replaced by T.
Protein change: p.Asp1524Val; replaces aspartic acid 1524 with valine.
Molecular consequence: missense variant.
Genome position (GRCh38, 1-based): chr3:121,488,360, T>A on the plus strand (A>T on the coding strand, the complement: POLQ is on the minus strand). VCF-style: chr3-121488360-T-A. GRCh37 (hg19) VCF-style: chr3-121207207-T-A.
Other names: short protein forms D1524V.
Identifiers: ClinVar variation 1741576 (VCV001741576.2), dbSNP rs563687657, ClinGen allele CA2562876.

ClinVar aggregate classification (germline): Uncertain significance (1 of 4 stars; one submission).

Allele frequency attached by ClinVar (database versions not stated): gnomAD exomes below 0.00001; ExAC 0.00002; gnomAD 0.00003; TOPMed 0.00003; 1000 Genomes Project 30x 0.00016; 1000 Genomes Project 0.00020.
gnomAD v4.1: 6 of 1,612,792 alleles (0.00037%); highest among the groups gnomAD compares: East Asian, 0.013%; no homozygotes.

Submission:

Ambry Genetics
Classification: Uncertain significance. Last evaluated: 2024-01-31. Review status: criteria provided, single submitter. Criteria: Ambry Variant Classification Scheme 2023. Collection method: clinical testing. Allele origin: germline.
Comment: The p.D1524V variant (also known as c.4571A>T), located in coding exon 16 of the POLQ gene, results from an A to T substitution at nucleotide position 4571. The aspartic acid at codon 1524 is replaced by valine, an amino acid with highly dissimilar properties. This amino acid position is conserved. In addition, this alteration is predicted to be tolerated by in silico analysis. Since supporting evidence is limited at this time, the clinical significance of this alteration remains unclear.